The following is an entry in ClinVar:

NM_000038.6(APC):c.4435G>A (p.Val1479Ile)

Gene: APC (APC regulator of Wnt signaling pathway; plus strand). Cytogenetic location: 5q22.2.
Variant type: single nucleotide variant.
Coding change: c.4435G>A on transcript NM_000038.6 (MANE Select); coding-DNA position 4435, G replaced by A.
Protein change: p.Val1479Ile; replaces valine 1479 with isoleucine.
Molecular consequence: missense variant.
Genome position (GRCh38, 1-based): chr5:112,840,029, G>A. VCF-style: chr5-112840029-G-A. GRCh37 (hg19) VCF-style: chr5-112175726-G-A.
Other names: c.4435G>A, p.Val1479Ile (NM_001127510.3, NM_001354895.2); c.4381G>A, p.Val1461Ile (NM_001127511.3); c.4489G>A, p.Val1497Ile (NM_001354896.2); c.4465G>A, p.Val1489Ile (NM_001354897.2); c.4360G>A, p.Val1454Ile (NM_001354898.2); c.4351G>A, p.Val1451Ile (NM_001354899.2); c.4312G>A, p.Val1438Ile (NM_001354900.2); c.4258G>A, p.Val1420Ile (NM_001354901.2); and 5 more; short protein forms V1461I, V1479I, V1388I, V1420I, V1497I, V1319I, V1196I, V1353I.
Identifiers: ClinVar variation 411369 (VCV000411369.12), dbSNP rs1060503271, ClinGen allele CA16031040.

ClinVar aggregate classification (germline): Uncertain significance. Review status: criteria provided, multiple submitters, no conflicts (2 of 4 stars). 2 submissions from 2 submitters: Uncertain significance (2). Last evaluated 2026-01-26.

Conditions:
Familial adenomatous polyposis 1 (FAP1). Also called: FAMILIAL ADENOMATOUS POLYPOSIS 1, ATTENUATED; POLYPOSIS, ADENOMATOUS INTESTINAL. Identifiers: MedGen C2713442, MONDO:0021056, OMIM 175100. Disease mechanism: loss of function.
Hereditary cancer-predisposing syndrome. Also called: Tumor predisposition; Hereditary Cancer Syndrome; Hereditary neoplastic syndrome; Neoplastic Syndromes, Hereditary. Identifiers: Orphanet 140162, MedGen C0027672, MeSH D009386, MONDO:0015356.

Allele frequency attached by ClinVar (database versions not stated): gnomAD exomes below 0.00001.
gnomAD v4.1: 1 of 1,614,096 alleles (0.000062%); highest among the groups gnomAD compares: African/African-American, 0.0013%; no homozygotes.

Submissions (2):

Labcorp Genetics (formerly Invitae), Labcorp
Classification: Uncertain significance for Familial adenomatous polyposis 1. Last evaluated: 2026-01-26. Review status: criteria provided, single submitter. Criteria: Invitae Variant Classification Sherloc (09022015). Collection method: clinical testing. Allele origin: germline.
Comment: This sequence change replaces valine, which is neutral and non-polar, with isoleucine, which is neutral and non-polar, at codon 1479 of the APC protein (p.Val1479Ile). This variant is not present in population databases (gnomAD no frequency). This variant has not been reported in the literature in individuals affected with APC-related conditions. ClinVar contains an entry for this variant (Variation ID: 411369). Invitae Evidence Modeling of protein sequence and biophysical properties (such as structural, functional, and spatial information, amino acid conservation, physicochemical variation, residue mobility, and thermodynamic stability) indicates that this missense variant is not expected to disrupt APC protein function with a negative predictive value of 95%. In summary, the available evidence is currently insufficient to determine the role of this variant in disease. Therefore, it has been classified as a Variant of Uncertain Significance.

Ambry Genetics
Classification: Uncertain significance for Hereditary cancer-predisposing syndrome. Last evaluated: 2023-03-17. Review status: criteria provided, single submitter. Criteria: Ambry Variant Classification Scheme 2023. Collection method: clinical testing. Allele origin: germline.
Comment: The p.V1479I variant (also known as c.4435G>A), located in coding exon 15 of the APC gene, results from a G to A substitution at nucleotide position 4435. The valine at codon 1479 is replaced by isoleucine, an amino acid with highly similar properties. This amino acid position is well conserved in available vertebrate species. In addition, in silico predictors for this gene do not accurately predict pathogenicity. Since supporting evidence is limited at this time, the clinical significance of this alteration remains unclear.